The following is an entry in ClinVar:

NM_032436.4(CHAMP1):c.1766A>G (p.Asp589Gly)

Gene: CHAMP1 (chromosome alignment maintaining phosphoprotein 1; plus strand). Cytogenetic location: 13q34.
Variant type: single nucleotide variant.
Coding change: c.1766A>G on transcript NM_032436.4 (MANE Select); coding-DNA position 1766, A replaced by G.
Protein change: p.Asp589Gly; replaces aspartic acid 589 with glycine.
Molecular consequence: missense variant.
Genome position (GRCh38, 1-based): chr13:114,325,608, A>G. VCF-style: chr13-114325608-A-G. GRCh37 (hg19) VCF-style: chr13-115091083-A-G.
Other names: c.1766A>G, p.Asp589Gly (NM_001164144.3, NM_001164145.3); short protein forms D589G.
Identifiers: ClinVar variation 3362067 (VCV003362067.1).

ClinVar aggregate classification (germline): Uncertain significance (1 of 4 stars; one submission).

gnomAD v4.1: 3 of 1,614,104 alleles (0.00019%); highest among the groups gnomAD compares: East Asian, 0.0022%; no homozygotes.

Submission:

GeneDx
Classification: Uncertain significance. Last evaluated: 2023-06-17. Review status: criteria provided, single submitter. Criteria: GeneDx Variant Classification Process June 2021. Collection method: clinical testing. Allele origin: germline. Affected: yes.
Comment: Not observed at significant frequency in large population cohorts (gnomAD); In silico analysis supports that this missense variant does not alter protein structure/function; Has not been previously published as pathogenic or benign to our knowledge